The following is an entry in ClinVar:

ClinVar aggregate classification (germline): Uncertain significance. Review status: criteria provided, multiple submitters, no conflicts (2 of 4 stars). 2 submissions from 2 submitters: Uncertain significance (2). Last evaluated 2024-10-23.

Allele frequency attached by ClinVar (database versions not stated): gnomAD 0.00001; gnomAD exomes 0.00001; ExAC 0.00002; TOPMed 0.00003; ESP Exome Variant Server 0.00008.

Submissions (2):

Labcorp Genetics (formerly Invitae), Labcorp
Classification: Uncertain significance. Last evaluated: 2024-10-23. Review status: criteria provided, single submitter. Criteria: Invitae Variant Classification Sherloc (09022015). Collection method: clinical testing. Allele origin: germline.
Comment: This sequence change replaces cysteine, which is neutral and slightly polar, with phenylalanine, which is neutral and non-polar, at codon 1248 of the PTPN23 protein (p.Cys1248Phe). This variant is present in population databases (rs149511966, gnomAD 0.003%). This variant has not been reported in the literature in individuals affected with PTPN23-related conditions. ClinVar contains an entry for this variant (Variation ID: 1991346). An algorithm developed to predict the effect of missense changes on protein structure and function (PolyPhen-2) suggests that this variant¬†is likely to be tolerated. In summary, the available evidence is currently insufficient to determine the role of this variant in disease. Therefore, it has been classified as a Variant of Uncertain Significance.

CeGaT Center for Human Genetics Tuebingen
Classification: Uncertain significance. Last evaluated: 2024-01-01. Review status: criteria provided, single submitter. Criteria: CeGaT Center For Human Genetics Tuebingen Variant Classification Criteria Version 2. Collection method: clinical testing. Allele origin: germline. Affected: yes. Observed: 1 variant allele.
Comment: PTPN23: PM2, BP4

NM_015466.4(PTPN23):c.3743G>T (p.Cys1248Phe)

Gene: PTPN23 (protein tyrosine phosphatase non-receptor type 23; plus strand). Cytogenetic location: 3p21.31.
Variant type: single nucleotide variant.
Coding change: c.3743G>T on transcript NM_015466.4 (MANE Select); coding-DNA position 3743, G replaced by T.
Protein change: p.Cys1248Phe; replaces cysteine 1248 with phenylalanine.
Molecular consequence: missense variant.
Genome position (GRCh38, 1-based): chr3:47,411,541, G>T. VCF-style: chr3-47411541-G-T. GRCh37 (hg19) VCF-style: chr3-47453031-G-T.
Other names: c.3365G>T, p.Cys1122Phe (NM_001304482.2); short protein forms C1122F, C1248F.
Identifiers: ClinVar variation 1991346 (VCV001991346.24), dbSNP rs149511966, ClinGen allele CA2366339.
Genomic context (GRCh38, chr3:47,411,541, plus strand): 5'-CCTATGACAGTAACCGTGTGGTGCTGCGCTCAGGCAAGGATGACTACATCAATGCCAGCT[G>T]CGTGGAGGGGCTCTCCCCATACTGCCCCCCGCTAGTGGCAACCCAGGCCCCACTGCCTGG-3'
Protein context (NP_056281.1, residues 1238-1258): SGKDDYINAS[Cys1248Phe]VEGLSPYCPP